The following is an entry in ClinVar:

NM_001039591.3(USP9X):c.92A>G (p.Asn31Ser)

Gene: USP9X (ubiquitin specific peptidase 9 X-linked; plus strand). Cytogenetic location: Xp11.4.
Variant type: single nucleotide variant.
Coding change: c.92A>G on transcript NM_001039591.3 (MANE Select); coding-DNA position 92, A replaced by G.
Protein change: p.Asn31Ser; replaces asparagine 31 with serine.
Molecular consequence: missense variant.
Genome position (GRCh38, 1-based): chrX:41,123,720, A>G. VCF-style: chrX-41123720-A-G. GRCh37 (hg19) VCF-style: chrX-40982973-A-G.
Other names: c.92A>G, p.Asn31Ser (NM_001039590.3); short protein forms N31S.
Identifiers: ClinVar variation 1312256 (VCV001312256.2), dbSNP rs2062210512, ClinGen allele CA412759003.

ClinVar aggregate classification (germline): Uncertain significance (1 of 4 stars; one submission).

Allele frequency attached by ClinVar (database versions not stated): TOPMed below 0.00001.

Submission:

GeneDx
Classification: Uncertain significance. Last evaluated: 2019-09-09. Review status: criteria provided, single submitter. Criteria: GeneDx Variant Classification Process June 2021. Collection method: clinical testing. Allele origin: germline. Affected: yes.
Comment: In silico analysis, which includes protein predictors and evolutionary conservation, supports that this variant does not alter protein structure/function; Not observed in large population cohorts (Lek et al., 2016); Has not been previously published as pathogenic or benign to our knowledge